The following is an entry in ClinVar:

NM_000540.3(RYR1):c.7835+6_7835+7insGCGGGGCG

Gene: RYR1 (ryanodine receptor 1; plus strand). Cytogenetic location: 19q13.2.
Variant type: Insertion.
Coding change: c.7835+6_7835+7insGCGGGGCG on transcript NM_000540.3 (MANE Select); bases 6 to 7 of the intron after coding-DNA position 7835, GCGGGGCG inserted.
Molecular consequence: intron variant.
Genome position: GRCh38 VCF-style: chr19-38502732-A-AGGCGGGGC. GRCh37 (hg19) VCF-style: chr19-38993372-A-AGGCGGGGC.
Other names: c.7835+6_7835+7insGCGGGGCG (NM_001042723.2).
Identifiers: ClinVar variation 3069465 (VCV003069465.1), dbSNP rs764975970, ClinGen allele CA2825002789.

ClinVar aggregate classification (germline): Uncertain significance (1 of 4 stars; one submission).

Conditions:
Malignant hyperthermia, susceptibility to, 1 (MHS1). Also called: RYR1-Related Malignant Hyperthermia Susceptibility; Anesthesia related hyperthermia; Malignant hyperpyrexia; Fulminating hyperpyrexia; Pharmacogenic myopathy; Malignant hyperthermia suceptibility 1. Identifiers: Orphanet 423, MedGen C2930980, MONDO:0007783, OMIM 145600.

Submission:

All of Us Research Program, National Institutes of Health
Classification: Uncertain significance for Malignant hyperthermia, susceptibility to, 1. Last evaluated: 2023-03-28. Review status: criteria provided, single submitter. Criteria: ACMG Guidelines, 2015. Collection method: clinical testing. Allele origin: germline. Inheritance: Autosomal dominant inheritance. Observed: 3 variant alleles, 3 heterozygotes.
Comment: This study involves interpretation of variants in research participants for the purpose of population health screening. Participant phenotype was not available at the time of variant classification. Additional details can be found in publication PMID: 35346344, PMCID: PMC8962531